The following is an entry in ClinVar:

NM_014363.6(SACS):c.9015C>T (p.Asp3005=)

Gene: SACS (sacsin molecular chaperone; minus strand). Cytogenetic location: 13q12.12.
Variant type: single nucleotide variant.
Coding change: c.9015C>T on transcript NM_014363.6 (MANE Select); coding-DNA position 9015, C replaced by T.
Protein change: p.Asp3005=; no amino-acid change (aspartic acid 3005 retained).
Molecular consequence: synonymous variant.
Genome position (GRCh38, 1-based): chr13:23,334,861, G>A on the plus strand (C>T on the coding strand, the complement: SACS is on the minus strand). VCF-style: chr13-23334861-G-A. GRCh37 (hg19) VCF-style: chr13-23909000-G-A.
Other names: c.8574C>T, p.Asp2858= (NM_001278055.2); c.9015C>T (NM_014363.5).
Identifiers: ClinVar variation 1115153 (VCV001115153.11), dbSNP rs769712713, ClinGen allele CA6910677.

ClinVar aggregate classification (germline): Likely benign. Review status: criteria provided, single submitter (1 of 4 stars). 2 submissions from 2 submitters: Likely benign (1). 1 of the submissions does not count toward it. Last evaluated 2025-11-24.

Conditions:
SACS-related disorder. Also called: SACS-related condition.
Spastic paraplegia. Identifiers: MedGen C0037772, HP:0001258.

Allele frequency attached by ClinVar (database versions not stated): TOPMed below 0.00001; ExAC 0.00001.
gnomAD v4.1: 125 of 1,613,836 alleles (0.0077%); highest among the groups gnomAD compares: Non-Finnish European, 0.011%; no homozygotes.

Submissions (2):

Labcorp Genetics (formerly Invitae), Labcorp
Classification: Likely benign for Spastic paraplegia. Last evaluated: 2025-11-24. Review status: criteria provided, single submitter. Criteria: Invitae Variant Classification Sherloc (09022015). Collection method: clinical testing. Allele origin: germline.

PreventionGenetics, part of Exact Sciences
Classification: Likely benign for SACS-related condition. Last evaluated: 2019-06-03. Review status: no assertion criteria provided. Collection method: clinical testing. Allele origin: germline. Not counted in ClinVar's aggregate classification.
Comment: This variant is classified as likely benign based on ACMG/AMP sequence variant interpretation guidelines (Richards et al. 2015 PMID: 25741868, with internal and published modifications).